The following is an entry in ClinVar:

NM_000133.4(F9):c.845A>G (p.His282Arg)

Gene: F9 (coagulation factor IX; plus strand). Cytogenetic location: Xq27.1.
Variant type: single nucleotide variant.
Coding change: c.845A>G on transcript NM_000133.4 (MANE Select); coding-DNA position 845, A replaced by G.
Protein change: p.His282Arg; replaces histidine 282 with arginine.
Molecular consequence: missense variant.
Genome position (GRCh38, 1-based): chrX:139,561,530, A>G. VCF-style: chrX-139561530-A-G. GRCh37 (hg19) VCF-style: chrX-138643689-A-G.
Other names: p.His282Arg; c.731A>G, p.His244Arg (NM_001313913.2); short protein forms H282R, H244R.
Identifiers: ClinVar variation 627146 (VCV000627146.4), dbSNP rs753654616, ClinGen allele CA336143030.
Genomic context (GRCh38, chrX:139,561,530, plus strand): 5'-ATCTGTGTATGTGAAATACTGTTTGTGACTTAAAATGAAATTTATTTTTAATAGGTGAAC[A>G]TAATATTGAGGAGACAGAACATACAGAGCAAAAGCGAAATGTGATTCGAATTATTCCTCA-3'
Protein context (NP_000124.1, residues 272-292): GVKITVVAGE[His282Arg]NIEETEHTEQ

ClinVar aggregate classification (germline): Conflicting classifications of pathogenicity. Review status: criteria provided, conflicting classifications (1 of 4 stars). 4 submissions from 4 submitters: Likely pathogenic (3); Uncertain significance (1). Last evaluated 2025-05-29.

Conditions:
Hereditary factor VIII deficiency disease (HEMA). Also called: Hemophilia A, congenital; HEM A; Factor 8 deficiency, congenital; HEMOPHILIA, CLASSIC; Hemophilia A; AUTOSOMAL HEMOPHILIA A. Identifiers: Orphanet 98878, MedGen C0019069, MONDO:0010602, OMIM 306700.
Hereditary factor IX deficiency disease (HEMB). Also called: Hemophilia B; F9 DEFICIENCY; FACTOR IX DEFICIENCY; PLASMA THROMBOPLASTIN COMPONENT DEFICIENCY; Christmas Disease. Identifiers: Orphanet 98879, MedGen C0008533, MeSH D002836, MONDO:0010604, OMIM 306900.

Allele frequency attached by ClinVar (database versions not stated): TOPMed 0.00001; gnomAD exomes 0.00003.
gnomAD v4.1: 33 of 1,204,562 alleles (0.0027%); highest among the groups gnomAD compares: Non-Finnish European, 0.0036%; no homozygotes.

Submissions (4):

Myriad Genetics, Inc.
Classification: Likely pathogenic for Hereditary factor IX deficiency disease. Last evaluated: 2025-05-29. Review status: criteria provided, single submitter. Criteria: Myriad Autosomal Dominant, Autosomal Recessive and X-Linked Classification Criteria (2023). Collection method: clinical testing. Allele origin: unknown.
Comment: NM_000133.3(F9):c.845A>G(H282R) is a missense variant classified as likely pathogenic in the context of hemophilia B. H282R has been observed in cases with relevant disease (PMID: 20860608, 31064749, 29296726). Relevant functional assessments of this variant are not available in the literature. H282R has not been observed in referenced population frequency databases. In summary, NM_000133.3(F9):c.845A>G(H282R) is a missense variant that has been observed more frequently in cases with the relevant disease than in healthy populations. Please note: this variant was assessed in the context of healthy population screening.

Mayo Clinic Laboratories, Mayo Clinic
Classification: Likely pathogenic. Last evaluated: 2024-02-14. Review status: criteria provided, single submitter. Criteria: ACMG Guidelines, 2015. Collection method: clinical testing. Allele origin: germline. Observed: 1 variant allele.
Comment: PP1, PM1_supporting, PM2_moderate, PS4_moderate

GeneDx
Classification: Uncertain significance. Last evaluated: 2023-08-29. Review status: criteria provided, single submitter. Criteria: GeneDx Variant Classification Process June 2021. Collection method: clinical testing. Allele origin: germline. Affected: yes.
Comment: In silico analysis supports that this missense variant has a deleterious effect on protein structure/function; This variant is associated with the following publications: (PMID: 31064749, 20860608)

NIHR Bioresource Rare Diseases, University of Cambridge
Classification: Likely pathogenic for Hereditary factor VIII deficiency disease. Last evaluated: 2019-02-01. Review status: criteria provided, single submitter. Criteria: ACMG Guidelines, 2015. Collection method: research. Allele origin: unknown. Affected: yes. Observed: 1 hemizygote. Study: ThromboGenomics.

Literature cited by the submitters: PubMed 20860608 (cited by Myriad Genetics, Inc. and Mayo Clinic Laboratories, Mayo Clinic); PubMed 29296726 (cited by Myriad Genetics, Inc. and Mayo Clinic Laboratories, Mayo Clinic); PubMed 31064749 (cited by 3 submitters); PubMed 36787808 (cited by Mayo Clinic Laboratories, Mayo Clinic); PubMed 8680410 (cited by Mayo Clinic Laboratories, Mayo Clinic).